The following is an entry in ClinVar:

ClinVar aggregate classification (germline): Uncertain significance (1 of 4 stars; one submission).

Conditions:
Autosomal recessive limb-girdle muscular dystrophy type 2A (LGMDR1). Also called: Limb-girdle muscular dystrophy, type 2A; Calpainopathy; Muscular dystrophy, limb-girdle, type 2A, Amish; LEYDEN-MOEBIUS MUSCULAR DYSTROPHY; MUSCULAR DYSTROPHY, PELVOFEMORAL. Identifiers: Orphanet 267, MedGen C1869123, MONDO:0009675, OMIM 253600. Disease mechanism: loss of function.

gnomAD v4.1: 1 of 1,614,066 alleles (0.000062%); highest among the groups gnomAD compares: South Asian, 0.0011%; no homozygotes.

Submission:

Labcorp Genetics (formerly Invitae), Labcorp
Classification: Uncertain significance for Autosomal recessive limb-girdle muscular dystrophy type 2A. Last evaluated: 2020-02-21. Review status: criteria provided, single submitter. Criteria: Invitae Variant Classification Sherloc (09022015). Collection method: clinical testing. Allele origin: germline.
Comment: This sequence change replaces arginine with tryptophan at codon 292 of the CAPN3 protein (p.Arg292Trp). The arginine residue is moderately conserved and there is a moderate physicochemical difference between arginine and tryptophan. In summary, the available evidence is currently insufficient to determine the role of this variant in disease. Therefore, it has been classified as a Variant of Uncertain Significance. Algorithms developed to predict the effect of missense changes on protein structure and function do not agree on the potential impact of this missense change (SIFT: "Deleterious"; PolyPhen-2: "Possibly Damaging"; Align-GVGD: "Class C0"). This variant has not been reported in the literature in individuals with CAPN3-related disease. ClinVar contains an entry for this variant (Variation ID: 536513). This variant is not present in population databases (ExAC no frequency).

NM_000070.3(CAPN3):c.874A>T (p.Arg292Trp)

Gene: CAPN3 (calpain 3; plus strand). Cytogenetic location: 15q15.1.
Variant type: single nucleotide variant.
Coding change: c.874A>T on transcript NM_000070.3 (MANE Select); coding-DNA position 874, A replaced by T.
Protein change: p.Arg292Trp; replaces arginine 292 with tryptophan.
Molecular consequence: missense variant. On other transcripts: intron variant (1).
Genome position (GRCh38, 1-based): chr15:42,390,025, A>T. VCF-style: chr15-42390025-A-T. GRCh37 (hg19) VCF-style: chr15-42682223-A-T.
Other names: c.874A>T, p.Arg292Trp (NM_024344.2); c.801+929A>T (NM_173087.2); short protein forms R292W.
Identifiers: ClinVar variation 536513 (VCV000536513.9), dbSNP rs1555420773, ClinGen allele CA391998575.